The following is an entry in ClinVar:

ClinVar aggregate classification (germline): Uncertain significance. Review status: criteria provided, multiple submitters, no conflicts (2 of 4 stars). 6 submissions from 6 submitters: Uncertain significance (5). 1 of the submissions does not count toward it. Last evaluated 2026-03-03.

Conditions:
Benign familial hematuria. Also called: thin basement membrane disease. Identifiers: MedGen C0241908, MONDO:0957317.
Alport syndrome. Also called: Hemorrhagic familial nephritis; Hemorrhagic hereditary nephritis; Congenital hereditary hematuria. Identifiers: Orphanet 63, MedGen C1567741, MONDO:0018965.

Allele frequency attached by ClinVar (database versions not stated): gnomAD 0.00003 and 0.00004; gnomAD exomes 0.00007; ESP Exome Variant Server 0.00009; ExAC 0.00003; TOPMed 0.00005.
gnomAD v4.1: 198 of 1,613,488 alleles (0.012%); highest among the groups gnomAD compares: Non-Finnish European, 0.016%; no homozygotes.

Submissions (6):

Women's Health and Genetics/Laboratory Corporation of America, LabCorp
Classification: Uncertain significance. Last evaluated: 2026-03-03. Review status: criteria provided, single submitter. Criteria: LabCorp Variant Classification Summary - May 2015. Collection method: clinical testing. Allele origin: germline.
Comment: Variant summary: COL4A4 c.2717-3C>T alters a nucleotide located close to a canonical splice site and therefore could affect mRNA splicing, leading to a significantly altered protein sequence. Consensus agreement among computation tools predict no significant impact on normal splicing. However, these predictions have yet to be confirmed by functional studies. The variant allele was found at a frequency of 7.3e-05 in 247782 control chromosomes. This frequency is not significantly higher than estimated for disease-causing variants in COL4A4, allowing no conclusion about variant significance. c.2717-3C>T has been observed in at least one individual from a hematuria study cohort (Alge_2023). This report does not provide unequivocal conclusions about association of the variant with COL4A4-related conditions. To our knowledge, no experimental evidence demonstrating an impact on protein function has been reported. The following publication has been ascertained in the context of this evaluation (PMID: 35759000). ClinVar contains an entry for this variant (Variation ID: 447186). Based on the evidence outlined above, the variant was classified as uncertain significance.

GeneDx
Classification: Uncertain significance. Last evaluated: 2025-02-23. Review status: criteria provided, single submitter. Criteria: GeneDx Variant Classification Process June 2021. Collection method: clinical testing. Allele origin: germline. Affected: yes.
Comment: In silico analysis indicates that this variant does not alter splicing; Has not been previously published as pathogenic or benign to our knowledge

Labcorp Genetics (formerly Invitae), Labcorp
Classification: Uncertain significance. Last evaluated: 2021-11-25. Review status: criteria provided, single submitter. Criteria: Invitae Variant Classification Sherloc (09022015). Collection method: clinical testing. Allele origin: germline.
Comment: This sequence change falls in intron 30 of the COL4A4 gene. It does not directly change the encoded amino acid sequence of the COL4A4 protein. It affects a nucleotide within the consensus splice site. This variant is present in population databases (rs191634780, gnomAD 0.01%). This variant has been observed in individual(s) with clinical features of COL4A4-related conditions (Invitae). ClinVar contains an entry for this variant (Variation ID: 447186). Variants that disrupt the consensus splice site are a relatively common cause of aberrant splicing (PMID: 17576681, 9536098). Algorithms developed to predict the effect of sequence changes on RNA splicing suggest that this variant is not likely to affect RNA splicing. In summary, the available evidence is currently insufficient to determine the role of this variant in disease. Therefore, it has been classified as a Variant of Uncertain Significance.

Cambridge Genomics Laboratory, East Genomic Laboratory Hub, NHS Genomic Medicine Service
Classification: Uncertain significance for Benign familial hematuria. Last evaluated: 2020-07-03. Review status: criteria provided, single submitter. Criteria: ACGS Best Practice Guidelines for Variant Classification in Rare Disease 2020. Collection method: clinical testing. Allele origin: germline. Affected: yes. Observed: 1 variant allele.

Athena Diagnostics
Classification: Uncertain significance. Last evaluated: 2017-03-09. Review status: criteria provided, single submitter. Criteria: Athena Diagnostics Criteria. Collection method: clinical testing. Allele origin: germline.

Natera, Inc.
Classification: Uncertain significance for Alport syndrome. Last evaluated: 2019-10-28. Review status: no assertion criteria provided. Collection method: clinical testing. Allele origin: germline. Not counted in ClinVar's aggregate classification.

Literature cited by the submitters: PubMed 35759000 (cited by Women's Health and Genetics/Laboratory Corporation of America, LabCorp); PubMed 17576681 (cited by Labcorp Genetics (formerly Invitae), Labcorp); PubMed 9536098 (cited by Labcorp Genetics (formerly Invitae), Labcorp).

NM_000092.5(COL4A4):c.2717-3C>T

Gene: COL4A4 (collagen type IV alpha 4 chain; minus strand). Cytogenetic location: 2q36.3.
Variant type: single nucleotide variant.
Coding change: c.2717-3C>T on transcript NM_000092.5 (MANE Select); 3 bases into the intron before coding-DNA position 2717, C replaced by T.
Molecular consequence: intron variant.
Genome position (GRCh38, 1-based): chr2:227,054,740, G>A on the plus strand (C>T on the coding strand, the complement: COL4A4 is on the minus strand). VCF-style: chr2-227054740-G-A. GRCh37 (hg19) VCF-style: chr2-227919456-G-A.
Identifiers: ClinVar variation 447186 (VCV000447186.8), dbSNP rs191634780, ClinGen allele CA2144731.